The following is an entry in ClinVar:

NM_001277115.2(DNAH11):c.8913T>G (p.Phe2971Leu)

Gene: DNAH11 (dynein axonemal heavy chain 11; plus strand). Cytogenetic location: 7p15.3.
Variant type: single nucleotide variant.
Coding change: c.8913T>G on transcript NM_001277115.2 (MANE Select); coding-DNA position 8913, T replaced by G.
Protein change: p.Phe2971Leu; replaces phenylalanine 2971 with leucine.
Molecular consequence: missense variant.
Genome position (GRCh38, 1-based): chr7:21,750,337, T>G. VCF-style: chr7-21750337-T-G. GRCh37 (hg19) VCF-style: chr7-21789955-T-G.
Other names: short protein forms F2971L.
Identifiers: ClinVar variation 454717 (VCV000454717.9), dbSNP rs1554277057, ClinGen allele CA366956433.

ClinVar aggregate classification (germline): Uncertain significance (1 of 4 stars; one submission).

Conditions:
Primary ciliary dyskinesia. Also called: Ciliary dyskinesia. Identifiers: Orphanet 244, MedGen C0008780, MONDO:0016575, HP:0012265.

gnomAD v4.1: 1 of 1,605,764 alleles (0.000062%); highest among the groups gnomAD compares: Non-Finnish European, 0.000085%; no homozygotes.

Submission:

Labcorp Genetics (formerly Invitae), Labcorp
Classification: Uncertain significance for Primary ciliary dyskinesia. Last evaluated: 2022-11-15. Review status: criteria provided, single submitter. Criteria: Invitae Variant Classification Sherloc (09022015). Collection method: clinical testing. Allele origin: germline.
Comment: In summary, the available evidence is currently insufficient to determine the role of this variant in disease. Therefore, it has been classified as a Variant of Uncertain Significance. Advanced modeling of protein sequence and biophysical properties (such as structural, functional, and spatial information, amino acid conservation, physicochemical variation, residue mobility, and thermodynamic stability) performed at Invitae indicates that this missense variant is not expected to disrupt DNAH11 protein function. ClinVar contains an entry for this variant (Variation ID: 454717). This variant has not been reported in the literature in individuals affected with DNAH11-related conditions. This variant is not present in population databases (gnomAD no frequency). This sequence change replaces phenylalanine, which is neutral and non-polar, with leucine, which is neutral and non-polar, at codon 2971 of the DNAH11 protein (p.Phe2971Leu).